The following is an entry in ClinVar:

NM_015047.3(EMC1):c.2704G>A (p.Val902Ile)

Genes: EMC1 (ER membrane protein complex subunit 1; minus strand), EMC1-AS1 (EMC1 antisense RNA 1; plus strand). Cytogenetic location: 1p36.13.
Variant type: single nucleotide variant.
Coding change: c.2704G>A on transcript NM_015047.3 (MANE Select); coding-DNA position 2704, G replaced by A.
Protein change: p.Val902Ile; replaces valine 902 with isoleucine.
Molecular consequence: missense variant.
Genome position (GRCh38, 1-based): chr1:19,219,667, C>T on the plus strand (G>A on the coding strand, the complement: EMC1 is on the minus strand). VCF-style: chr1-19219667-C-T. GRCh37 (hg19) VCF-style: chr1-19546161-C-T.
Other names: c.2701G>A, p.Val901Ile (NM_001271427.2, NM_001271428.2); c.2638G>A, p.Val880Ile (NM_001271429.2); c.2713G>A, p.Val905Ile (NM_001375820.1); c.2710G>A, p.Val904Ile (NM_001375821.1); short protein forms V901I, V904I, V905I, V880I, V902I.
Identifiers: ClinVar variation 2965299 (VCV002965299.3), dbSNP rs754337469, ClinGen allele CA652169.

ClinVar aggregate classification (germline): Uncertain significance (1 of 4 stars; one submission).

Allele frequency attached by ClinVar (database versions not stated): ExAC 0.00001; gnomAD exomes 0.00001.
gnomAD v4.1: 4 of 1,614,058 alleles (0.00025%); highest among the groups gnomAD compares: Admixed American, 0.005%; no homozygotes.

Submission:

Labcorp Genetics (formerly Invitae), Labcorp
Classification: Uncertain significance. Last evaluated: 2024-02-06. Review status: criteria provided, single submitter. Criteria: Invitae Variant Classification Sherloc (09022015). Collection method: clinical testing. Allele origin: germline.
Comment: This sequence change replaces valine, which is neutral and non-polar, with isoleucine, which is neutral and non-polar, at codon 902 of the EMC1 protein (p.Val902Ile). This variant is present in population databases (rs754337469, gnomAD 0.003%). This variant has not been reported in the literature in individuals affected with EMC1-related conditions. Advanced modeling of protein sequence and biophysical properties (such as structural, functional, and spatial information, amino acid conservation, physicochemical variation, residue mobility, and thermodynamic stability) performed at Invitae indicates that this missense variant is not expected to disrupt EMC1 protein function with a negative predictive value of 80%. In summary, the available evidence is currently insufficient to determine the role of this variant in disease. Therefore, it has been classified as a Variant of Uncertain Significance.